The following is an entry in ClinVar:

NM_001040113.2(MYH11):c.5811G>A (p.Gly1937=)

Genes: NDE1 (nudE neurodevelopment protein 1; plus strand), MYH11 (myosin heavy chain 11; minus strand). Cytogenetic location: 16p13.11.
Variant type: single nucleotide variant.
Coding change: c.5811G>A on transcript NM_001040113.2 (MANE Plus Clinical); coding-DNA position 5811, G replaced by A.
Protein change: p.Gly1937=; no amino-acid change (glycine 1937 retained).
Molecular consequence: synonymous variant. On other transcripts: intron variant (4).
Genome position (GRCh38, 1-based): chr16:15,708,838, C>T on the plus strand (G>A on the coding strand, the complement: MYH11 is on the minus strand). VCF-style: chr16-15708838-C-T. GRCh37 (hg19) VCF-style: chr16-15802695-C-T.
Other names: c.947+11978C>T (NM_017668.3, NM_001143979.2); c.5787-4715G>A (NM_002474.3); c.5790G>A, p.Gly1930= (NM_022844.3); c.5808-4715G>A (NM_001040114.2).
Identifiers: ClinVar variation 3074985 (VCV003074985.1), dbSNP rs778350253, ClinGen allele CA394844735.

ClinVar aggregate classification (germline): Likely benign (1 of 4 stars; one submission).

Conditions:
Familial thoracic aortic aneurysm and aortic dissection (TAAD). Also called: Thoracic aortic aneurysms and dissections. Identifiers: Orphanet 91387, MedGen C4707243, MONDO:0019625.

Submission:

All of Us Research Program, National Institutes of Health
Classification: Likely benign for Familial thoracic aortic aneurysm and aortic dissection. Last evaluated: 2023-12-13. Review status: criteria provided, single submitter. Criteria: ACMG Guidelines, 2015. Collection method: clinical testing. Allele origin: germline. Inheritance: Autosomal dominant inheritance. Observed: 1 variant allele, 1 heterozygote.
Comment: This study involves interpretation of variants in research participants for the purpose of population health screening. Participant phenotype was not available at the time of variant classification. Additional details can be found in publication PMID: 35346344, PMCID: PMC8962531